The following is an entry in ClinVar:

NM_012099.3(POLR1G):c.776A>C (p.Lys259Thr)

Genes: ERCC1 (ERCC excision repair 1, endonuclease non-catalytic subunit; minus strand), POLR1G (RNA polymerase I subunit G; plus strand). Cytogenetic location: 19q13.32.
Variant type: single nucleotide variant.
Coding change: c.776A>C on transcript NM_012099.3 (MANE Select); coding-DNA position 776, A replaced by C.
Protein change: p.Lys259Thr; replaces lysine 259 with threonine.
Molecular consequence: missense variant. On other transcripts: 3 prime UTR variant (10).
Genome position (GRCh38, 1-based): chr19:45,408,744, A>C. VCF-style: chr19-45408744-A-C. GRCh37 (hg19) VCF-style: chr19-45912002-A-C.
Other names: c.782A>C, p.Lys261Thr (NM_001297590.3); c.*931T>G (NM_001166049.2, NM_001369412.1, NM_001369413.1 and 7 more transcripts); short protein forms K259T, K261T.
Identifiers: ClinVar variation 1248262 (VCV001248262.11), dbSNP rs735482, ClinGen allele CA9515024.

ClinVar aggregate classification (germline): Benign. Review status: criteria provided, multiple submitters, no conflicts (2 of 4 stars). 3 submissions from 3 submitters: Benign (3). Last evaluated 2026-02-02.

Allele frequency attached by ClinVar (database versions not stated): gnomAD 0.19568 and 0.20151; ESP Exome Variant Server 0.18092; TOPMed 0.20813; gnomAD exomes 0.20841 and 0.16388; ExAC 0.20857; 1000 Genomes Project 30x 0.28638; 1000 Genomes Project 0.28674.
gnomAD v4.1: 270,785 of 1,613,634 alleles (17%); highest among the groups gnomAD compares: East Asian, 46%; 26,721 homozygotes.

Submissions (3):

Labcorp Genetics (formerly Invitae), Labcorp
Classification: Benign. Last evaluated: 2026-02-02. Review status: criteria provided, single submitter. Criteria: Invitae Variant Classification Sherloc (09022015). Collection method: clinical testing. Allele origin: germline.

GeneDx
Classification: Benign. Last evaluated: 2019-06-14. Review status: criteria provided, single submitter. Criteria: GeneDx Variant Classification Process June 2021. Collection method: clinical testing. Allele origin: germline. Affected: yes.
Comment: This variant is associated with the following publications: (PMID: 24140460, 23775331)

Breakthrough Genomics
Classification: Benign. Review status: criteria provided, single submitter. Criteria: ACMG Guidelines, 2015. Collection method: not provided. Allele origin: germline. Inheritance: Autosomal recessive inheritance. Affected: yes.